The following is an entry in ClinVar:

NM_001001957.2(OR2W3):c.507T>A (p.Cys169Ter)

Gene: OR2W3 (olfactory receptor family 2 subfamily W member 3; plus strand). Cytogenetic location: 1q44.
Variant type: single nucleotide variant.
Coding change: c.507T>A on transcript NM_001001957.2 (MANE Select); coding-DNA position 507, T replaced by A.
Protein change: p.Cys169Ter; replaces cysteine 169 with a stop codon.
Molecular consequence: nonsense.
Genome position (GRCh38, 1-based): chr1:247,896,093, T>A. VCF-style: chr1-247896093-T-A. GRCh37 (hg19) VCF-style: chr1-248059395-T-A.
Other names: short protein forms C169*.
Identifiers: ClinVar variation 4713532 (VCV004713532.1).
Genomic context (GRCh38, chr1:247,896,093, plus strand): 5'-GGGCTGTGGGGTGGCCAACTCCTTGGCCATGTCTCCTGTGACCCTGCGCTTACCCCGCTG[T>A]GGGCACCACGAGGTGGACCACTTCCTGCGTGAGATGCCCGCCCTGATCCGGATGGCCTGC-3'

ClinVar aggregate classification (germline): Uncertain significance (1 of 4 stars; one submission).

gnomAD v4.1: 2 of 1,614,182 alleles (0.00012%); highest among the groups gnomAD compares: East Asian, 0.0045%; no homozygotes.

Submission:

Labcorp Genetics (formerly Invitae), Labcorp
Classification: Uncertain significance. Last evaluated: 2025-09-16. Review status: criteria provided, single submitter. Criteria: Invitae Variant Classification Sherloc (09022015). Collection method: clinical testing. Allele origin: germline.
Comment: This sequence change creates a premature translational stop signal (p.Cys169*) in the OR2W3 gene. While this is not anticipated to result in nonsense mediated decay, it is expected to disrupt the last 146 amino acid(s) of the OR2W3 protein. This variant is present in population databases (no rsID available, gnomAD 0.006%). This variant has not been reported in the literature in individuals affected with OR2W3-related conditions. In summary, the available evidence is currently insufficient to determine the role of this variant in disease. Therefore, it has been classified as a Variant of Uncertain Significance.